The following is an entry in ClinVar:

ClinVar aggregate classification (germline): Likely pathogenic. Review status: criteria provided, multiple submitters, no conflicts (2 of 4 stars). 3 submissions from 3 submitters: Likely pathogenic (3). Last evaluated 2025-09-29.

Conditions:
Autosomal dominant Alport syndrome (ATS3A). Also called: ALPORT SYNDROME 3A, AUTOSOMAL DOMINANT; Alport syndrome dominant type; Renal failure and sensorineural hearing loss. Identifiers: Orphanet 63, Orphanet 88918, MedGen C5882663, MONDO:0007086, OMIM 104200.
Hematuria, benign familial, 2 (BFH2). Identifiers: MedGen C5830421, MONDO:0958186, OMIM 620320.
Alport syndrome 3b, autosomal recessive. Identifiers: MedGen C5882699, MONDO:0957811, OMIM 620536.

Allele frequency attached by ClinVar (database versions not stated): gnomAD 0.00001; TOPMed 0.00001.
gnomAD v4.1: 1 of 1,606,424 alleles (0.000062%); highest among the groups gnomAD compares: African/African-American, 0.0013%; no homozygotes.

Submissions (3):

Labcorp Genetics (formerly Invitae), Labcorp
Classification: Likely pathogenic. Last evaluated: 2025-09-29. Review status: criteria provided, single submitter. Criteria: Invitae Variant Classification Sherloc (09022015). Collection method: clinical testing. Allele origin: germline.
Comment: This sequence change affects an acceptor splice site in intron 38 of the COL4A3 gene. It is expected to disrupt RNA splicing. Variants that disrupt the donor or acceptor splice site typically lead to a loss of protein function (PMID: 16199547), and loss-of-function variants in COL4A3 are known to be pathogenic (PMID: 8956999, 24854265, 26809805, 27281700). This variant is not present in population databases (gnomAD no frequency). This variant has not been reported in the literature in individuals affected with COL4A3-related conditions. ClinVar contains an entry for this variant (Variation ID: 2063446). Algorithms developed to predict the effect of sequence changes on RNA splicing suggest that this variant may disrupt the consensus splice site. In summary, the currently available evidence indicates that the variant is pathogenic, but additional data are needed to prove that conclusively. Therefore, this variant has been classified as Likely Pathogenic.

GeneDx
Classification: Likely pathogenic. Last evaluated: 2024-06-21. Review status: criteria provided, single submitter. Criteria: GeneDx Variant Classification Process June 2021. Collection method: clinical testing. Allele origin: germline. Affected: yes.
Comment: Canonical splice site variant predicted to result in in-frame deletion within a critical region. Variant damages or destroys the canonical splice acceptor site in intron 38, and is expected to cause abnormal gene splicing; if the splice outcome is exon skip, the loss of the encoded residues in the triple helical region is expected to disrupt normal protein folding and function; Not observed at significant frequency in large population cohorts (gnomAD); Has not been previously published as pathogenic or benign to our knowledge

Fulgent Genetics
Classification: Likely pathogenic for Autosomal dominant Alport syndrome; Hematuria, benign familial, 2; Alport syndrome 3b, autosomal recessive. Last evaluated: 2024-04-09. Review status: criteria provided, single submitter. Criteria: ACMG Guidelines, 2015. Collection method: clinical testing. Allele origin: germline.

Literature cited by the submitters: PubMed 16199547 (cited by Labcorp Genetics (formerly Invitae), Labcorp); PubMed 8956999 (cited by Labcorp Genetics (formerly Invitae), Labcorp); PubMed 24854265 (cited by Labcorp Genetics (formerly Invitae), Labcorp); PubMed 26809805 (cited by Labcorp Genetics (formerly Invitae), Labcorp); PubMed 27281700 (cited by Labcorp Genetics (formerly Invitae), Labcorp).

NM_000091.5(COL4A3):c.3338-1G>A

Genes: MFF-DT (MFF divergent transcript; minus strand), COL4A3 (collagen type IV alpha 3 chain; plus strand). Cytogenetic location: 2q36.3.
Variant type: single nucleotide variant.
Coding change: c.3338-1G>A on transcript NM_000091.5 (MANE Select); the canonical splice acceptor site of the intron before coding-DNA position 3338, G replaced by A.
Molecular consequence: splice acceptor variant.
Genome position (GRCh38, 1-based): chr2:227,294,489, G>A. VCF-style: chr2-227294489-G-A. GRCh37 (hg19) VCF-style: chr2-228159205-G-A.
Identifiers: ClinVar variation 2063446 (VCV002063446.6), dbSNP rs1344548642, ClinGen allele CA350858470.